The following is an entry in ClinVar:

NM_015937.6(PIGT):c.1620T>C (p.Tyr540=)

Gene: PIGT (phosphatidylinositol glycan anchor biosynthesis class T; plus strand). Cytogenetic location: 20q13.12.
Variant type: single nucleotide variant.
Coding change: c.1620T>C on transcript NM_015937.6 (MANE Select); coding-DNA position 1620, T replaced by C.
Protein change: p.Tyr540=; no amino-acid change (tyrosine 540 retained).
Molecular consequence: synonymous variant. On other transcripts: non-coding transcript variant (5).
Genome position (GRCh38, 1-based): chr20:45,425,709, T>C. VCF-style: chr20-45425709-T-C. GRCh37 (hg19) VCF-style: chr20-44054349-T-C.
Other names: p.Tyr540=; c.1452T>C, p.Tyr484= (NM_001184728.3); c.1419T>C, p.Tyr473= (NM_001184729.3); c.1314T>C, p.Tyr438= (NM_001184730.3).
Identifiers: ClinVar variation 506300 (VCV000506300.15), dbSNP rs707577, ClinGen allele CA9878336.
Genomic context (GRCh38, chr20:45,425,709, plus strand): 5'-GGACTTCAGCATGCCCTACAACGTGATCTGCCTCACGTGCACTGTGGTGGCCGTGTGCTA[T>C]GGCTCCTTCTACAATCTCCTCACCCGAACCTTCCACATCGAGGAGCCCCGCACAGGTGGC-3'
Protein context (NP_057021.2, residues 530-550): CLTCTVVAVC[Tyr540=]GSFYNLLTRT

ClinVar aggregate classification (germline): Benign. Review status: criteria provided, multiple submitters, no conflicts (2 of 4 stars). 7 submissions from 6 submitters: Benign (7). Last evaluated 2026-02-03.

Conditions:
Paroxysmal nocturnal hemoglobinuria 2 (PNH2). Identifiers: Orphanet 447, MedGen C3809369, MONDO:0014166, OMIM 615399.
Multiple congenital anomalies-hypotonia-seizures syndrome 3 (MCAHS3). Also called: GLYCOSYLPHOSPHATIDYLINOSITOL BIOSYNTHESIS DEFECT 7. Identifiers: Orphanet 369837, MedGen C3809356, MONDO:0014165, OMIM 615398.

Allele frequency attached by ClinVar (database versions not stated): 1000 Genomes Project 0.70966; 1000 Genomes Project 30x 0.71268; gnomAD exomes 0.73763; ExAC 0.73912; TOPMed 0.75837; gnomAD 0.76208 and 0.76713; ESP Exome Variant Server 0.77410.
gnomAD v4.1: 1,212,217 of 1,613,830 alleles (75%); highest among the groups gnomAD compares: Middle Eastern, 82%; 456,972 homozygotes.

Submissions (7):

Labcorp Genetics (formerly Invitae), Labcorp
Classification: Benign for Multiple congenital anomalies-hypotonia-seizures syndrome 3. Last evaluated: 2026-02-03. Review status: criteria provided, single submitter. Criteria: Invitae Variant Classification Sherloc (09022015). Collection method: clinical testing. Allele origin: germline.

Blueprint Genetics
Classification: Benign. Last evaluated: 2024-11-28. Review status: criteria provided, single submitter. Criteria: ACMG Guidelines, 2015. Collection method: clinical testing. Allele origin: germline.

Mayo Clinic Laboratories, Mayo Clinic
Classification: Benign. Last evaluated: 2021-11-29. Review status: criteria provided, single submitter. Criteria: ACMG Guidelines, 2015. Collection method: clinical testing. Allele origin: germline. Observed: 283 variant alleles.

Genome-Nilou Lab
Classification: Benign for Paroxysmal nocturnal hemoglobinuria 2. Last evaluated: 2021-09-05. Review status: criteria provided, single submitter. Criteria: ACMG Guidelines, 2015. Collection method: clinical testing. Allele origin: germline. Affected: no.

Genome-Nilou Lab
Classification: Benign for Multiple congenital anomalies-hypotonia-seizures syndrome 3. Last evaluated: 2021-09-05. Review status: criteria provided, single submitter. Criteria: ACMG Guidelines, 2015. Collection method: clinical testing. Allele origin: germline. Affected: no.

GeneDx
Classification: Benign. Last evaluated: 2018-03-08. Review status: criteria provided, single submitter. Criteria: GeneDx Variant Classification (06012015). Collection method: clinical testing. Allele origin: germline. Affected: yes.
Comment: This variant is considered likely benign or benign based on one or more of the following criteria: it is a conservative change, it occurs at a poorly conserved position in the protein, it is predicted to be benign by multiple in silico algorithms, and/or has population frequency not consistent with disease.

Breakthrough Genomics
Classification: Benign. Review status: criteria provided, single submitter. Criteria: ACMG Guidelines, 2015. Collection method: not provided. Allele origin: germline. Inheritance: Autosomal recessive inheritance. Affected: yes.